The following is an entry in ClinVar:

ClinVar aggregate classification (germline): Benign/Likely benign. Review status: criteria provided, multiple submitters, no conflicts (2 of 4 stars). 5 submissions from 4 submitters: Benign (4); Likely benign (1). Last evaluated 2025-02-01.

Conditions:
Neurofibromatosis, familial spinal (FSNF). Identifiers: Orphanet 636, MedGen C1834235, MONDO:0008078, OMIM 162210. Disease mechanism: loss of function.
Neurofibromatosis, type 1 (NF1). Also called: NEUROFIBROMATOSIS, TYPE I, SOMATIC; Neurofibromatosis, type I; VON RECKLINGHAUSEN DISEASE; Peripheral type neurofibromatosis. Identifiers: Orphanet 636, MedGen C0027831, MONDO:0018975, OMIM 162200. Disease mechanism: loss of function.

Allele frequency attached by ClinVar (database versions not stated): gnomAD exomes 0.00071 and 0.00200; ExAC 0.00257; ESP Exome Variant Server 0.00707; gnomAD 0.00790 and 0.00844; TOPMed 0.00875; 1000 Genomes Project 30x 0.00890; 1000 Genomes Project 0.00899.
gnomAD v4.1: 2,183 of 1,478,388 alleles (0.15%); highest among the groups gnomAD compares: African/African-American, 2.7%; 29 homozygotes.

Submissions (5):

KCCC/NGS Laboratory, Kuwait Cancer Control Center
Classification: Benign for Neurofibromatosis, type 1. Last evaluated: 2025-02-01. Review status: criteria provided, single submitter. Criteria: ACMG Guidelines, 2015. Collection method: clinical testing. Allele origin: germline. Affected: no.

KCCC/NGS Laboratory, Kuwait Cancer Control Center
Classification: Benign for Neurofibromatosis, familial spinal. Last evaluated: 2023-07-07. Review status: criteria provided, single submitter. Criteria: ACMG Guidelines, 2015. Collection method: clinical testing. Allele origin: germline. Affected: yes.

ARUP Laboratories, Molecular Genetics and Genomics, ARUP Laboratories
Classification: Benign. Last evaluated: 2018-10-23. Review status: criteria provided, single submitter. Criteria: ARUP Molecular Germline Variant Investigation Process. Collection method: clinical testing. Allele origin: germline.

GeneDx
Classification: Likely benign. Last evaluated: 2018-06-14. Review status: criteria provided, single submitter. Criteria: GeneDx Variant Classification (06012015). Collection method: clinical testing. Allele origin: germline. Affected: yes.
Comment: This variant is considered likely benign or benign based on one or more of the following criteria: it is a conservative change, it occurs at a poorly conserved position in the protein, it is predicted to be benign by multiple in silico algorithms, and/or has population frequency not consistent with disease.

PreventionGenetics, part of Exact Sciences
Classification: Benign. Review status: criteria provided, single submitter. Criteria: ACMG Guidelines, 2015. Collection method: clinical testing. Allele origin: germline.

NM_001042492.3(NF1):c.4835+36T>C

Gene: NF1 (neurofibromin 1; plus strand). Cytogenetic location: 17q11.2.
Variant type: single nucleotide variant.
Coding change: c.4835+36T>C on transcript NM_001042492.3 (MANE Select); 36 bases into the intron after coding-DNA position 4835, T replaced by C.
Molecular consequence: intron variant.
Genome position (GRCh38, 1-based): chr17:31,265,375, T>C. VCF-style: chr17-31265375-T-C. GRCh37 (hg19) VCF-style: chr17-29592393-T-C.
Other names: c.4772+36T>C (NM_000267.4).
Identifiers: ClinVar variation 257292 (VCV000257292.12), dbSNP rs16972128, ClinGen allele CA8486480.